The following is an entry in ClinVar:

NM_001203.3(BMPR1B):c.581T>A (p.Leu194Gln)

Gene: BMPR1B (bone morphogenetic protein receptor type 1B; plus strand). Cytogenetic location: 4q22.3.
Variant type: single nucleotide variant.
Coding change: c.581T>A on transcript NM_001203.3 (MANE Select); coding-DNA position 581, T replaced by A.
Protein change: p.Leu194Gln; replaces leucine 194 with glutamine.
Molecular consequence: missense variant.
Genome position (GRCh38, 1-based): chr4:95,125,117, T>A. VCF-style: chr4-95125117-T-A. GRCh37 (hg19) VCF-style: chr4-96046268-T-A.
Other names: c.581T>A, p.Leu194Gln (NM_001256792.2, NM_001256794.1); c.671T>A, p.Leu224Gln (NM_001256793.2); short protein forms L194Q, L224Q.
Identifiers: ClinVar variation 2205369 (VCV002205369.5), dbSNP rs767925715, ClinGen allele CA101660870.

ClinVar aggregate classification (germline): Uncertain significance. Review status: criteria provided, multiple submitters, no conflicts (2 of 4 stars). 2 submissions from 2 submitters: Uncertain significance (2). Last evaluated 2024-11-07.

Conditions:
Inborn genetic diseases. Identifiers: MedGen C0950123, MeSH D030342.
Type A2 brachydactyly (BDA2). Also called: Brachymesophalangy type 2; BRACHYMESOPHALANGY II; MOHR-WRIEDT TYPE BRACHYDACTYLY. Identifiers: Orphanet 93396, MedGen C1832702, MONDO:0007216, OMIM 112600, HP:0009372.
Acromesomelic dysplasia 3 (AMD3). Also called: CHONDRODYSPLASIA, ACROMESOMELIC, WITH OR WITHOUT GENITAL ANOMALIES; Acromesomelic dysplasia, Demirhan type. Identifiers: MedGen C4225404, MONDO:0012274, OMIM 609441.

Submissions (2):

Labcorp Genetics (formerly Invitae), Labcorp
Classification: Uncertain significance for Type A2 brachydactyly; Acromesomelic dysplasia 3. Last evaluated: 2024-11-07. Review status: criteria provided, single submitter. Criteria: Invitae Variant Classification Sherloc (09022015). Collection method: clinical testing. Allele origin: germline.
Comment: This sequence change replaces leucine, which is neutral and non-polar, with glutamine, which is neutral and polar, at codon 194 of the BMPR1B protein (p.Leu194Gln). This variant is present in population databases (no rsID available, gnomAD 0.007%). This variant has not been reported in the literature in individuals affected with BMPR1B-related conditions. ClinVar contains an entry for this variant (Variation ID: 2205369). Invitae Evidence Modeling of protein sequence and biophysical properties (such as structural, functional, and spatial information, amino acid conservation, physicochemical variation, residue mobility, and thermodynamic stability) indicates that this missense variant is not expected to disrupt BMPR1B protein function with a negative predictive value of 80%. In summary, the available evidence is currently insufficient to determine the role of this variant in disease. Therefore, it has been classified as a Variant of Uncertain Significance.

Ambry Genetics
Classification: Uncertain significance for Inborn genetic diseases. Last evaluated: 2021-06-18. Review status: criteria provided, single submitter. Criteria: Ambry Variant Classification Scheme 2023. Collection method: clinical testing. Allele origin: germline.